The following is an entry in ClinVar:

NM_018206.6(VPS35):c.*282_*283insAAAAAA

Gene: VPS35 (VPS35 retromer complex component; minus strand). Cytogenetic location: 16q11.2.
Variant type: Insertion.
Coding change: c.*282_*283insAAAAAA on transcript NM_018206.6 (MANE Select); 282 bases downstream of the stop codon through 283 bases downstream of the stop codon, AAAAAA inserted.
Molecular consequence: 3 prime UTR variant.
Genome position: GRCh38 VCF-style: chr16-46660189-G-GTTTTTT. GRCh37 (hg19) VCF-style: chr16-46694101-G-GTTTTTT.
Identifiers: ClinVar variation 1711407 (VCV001711407.30), dbSNP rs369756092, ClinGen allele CA976954683.

ClinVar aggregate classification (germline): Likely benign (1 of 4 stars; one submission).

Submission:

CeGaT Center for Human Genetics Tuebingen
Classification: Likely benign. Last evaluated: 2023-03-01. Review status: criteria provided, single submitter. Criteria: CeGaT Center For Human Genetics Tuebingen Variant Classification Criteria Version 2. Collection method: clinical testing. Allele origin: germline. Affected: yes. Observed: 2 variant alleles.
Comment: VPS35: BS2